The following is an entry in ClinVar:

NM_022095.4(ZNF335):c.1978C>T (p.Arg660Ter)

Gene: ZNF335 (zinc finger protein 335; minus strand). Cytogenetic location: 20q13.12.
Variant type: single nucleotide variant.
Coding change: c.1978C>T on transcript NM_022095.4 (MANE Select); coding-DNA position 1978, C replaced by T.
Protein change: p.Arg660Ter; replaces arginine 660 with a stop codon.
Molecular consequence: nonsense.
Genome position (GRCh38, 1-based): chr20:45,960,250, G>A on the plus strand (C>T on the coding strand, the complement: ZNF335 is on the minus strand). VCF-style: chr20-45960250-G-A. GRCh37 (hg19) VCF-style: chr20-44588889-G-A.
Other names: short protein forms R660*.
Identifiers: ClinVar variation 3393087 (VCV003393087.2).

ClinVar aggregate classification (germline): Pathogenic/Likely pathogenic. Review status: criteria provided, multiple submitters, no conflicts (2 of 4 stars). 2 submissions from 2 submitters: Pathogenic (1); Likely pathogenic (1). Last evaluated 2025-10-14.

Conditions:
Microcephalic primordial dwarfism due to ZNF335 deficiency. Also called: Primary autosomal recessive microcephaly 10. Identifiers: Orphanet 329228, MedGen C3554499, MONDO:0014043, OMIM 615095.

Submissions (2):

Labcorp Genetics (formerly Invitae), Labcorp
Classification: Pathogenic. Last evaluated: 2025-10-14. Review status: criteria provided, single submitter. Criteria: Invitae Variant Classification Sherloc (09022015). Collection method: clinical testing. Allele origin: germline.
Comment: This sequence change creates a premature translational stop signal (p.Arg660*) in the ZNF335 gene. It is expected to result in an absent or disrupted protein product. Loss-of-function variants in ZNF335 are known to be pathogenic (PMID: 23178126, 26795593). This variant is present in population databases (no rsID available, gnomAD 0.009%). This variant has not been reported in the literature in individuals affected with ZNF335-related conditions. ClinVar contains an entry for this variant (Variation ID: 3393087). Algorithms developed to predict the effect of sequence changes on RNA splicing suggest that this variant may disrupt the consensus splice site. For these reasons, this variant has been classified as Pathogenic.

Genomic Medicine Center of Excellence, King Faisal Specialist Hospital and Research Centre
Classification: Likely pathogenic for Microcephalic primordial dwarfism due to ZNF335 deficiency. Last evaluated: 2024-12-19. Review status: criteria provided, single submitter. Criteria: ACMG Guidelines, 2015. Collection method: clinical testing. Allele origin: germline.

Literature cited by the submitters: PubMed 23178126 (cited by Labcorp Genetics (formerly Invitae), Labcorp); PubMed 26795593 (cited by Labcorp Genetics (formerly Invitae), Labcorp).